The following is an entry in ClinVar:

ClinVar aggregate classification (germline): Uncertain significance (1 of 4 stars; one submission).

Conditions:
Immunodeficiency 14 (IMD14A). Also called: p110-DELTA-ACTIVATING MUTATION CAUSING SENESCENT T CELLS, LYMPHADENOPATHY, AND IMMUNODEFICIENCY; Activated PI3K Delta Syndrome Type 1 (APDS1); IMMUNODEFICIENCY 14A WITH LYMPHOPROLIFERATION, AUTOSOMAL DOMINANT; ACTIVATED PI3K-DELTA SYNDROME 1. Identifiers: Orphanet 397596, Orphanet 693661, MedGen C5907821, MONDO:0014222, OMIM 615513.

Submission:

Labcorp Genetics (formerly Invitae), Labcorp
Classification: Uncertain significance for Activated PI3K-delta syndrome. Last evaluated: 2019-08-20. Review status: criteria provided, single submitter. Criteria: Invitae Variant Classification Sherloc (09022015). Collection method: clinical testing. Allele origin: germline.
Comment: This sequence change falls in intron 23 of the PIK3CD gene. It does not directly change the encoded amino acid sequence of the PIK3CD protein, but it affects a nucleotide within the consensus splice site of the intron. This variant is not present in population databases (ExAC no frequency). In summary, the available evidence is currently insufficient to determine the role of this variant in disease. Therefore, it has been classified as a Variant of Uncertain Significance. Nucleotide substitutions within the consensus splice site are a relatively common cause of aberrant splicing (PMID: 17576681, 9536098). Algorithms developed to predict the effect of sequence changes on RNA splicing suggest that this variant is not likely to affect RNA splicing, but this prediction has not been confirmed by published transcriptional studies. This variant has not been reported in the literature in individuals with PIK3CD-related conditions.

Literature cited by the submitters: PubMed 17576681; PubMed 9536098.

NM_005026.5(PIK3CD):c.2997+4T>C

Gene: PIK3CD (phosphatidylinositol-4,5-bisphosphate 3-kinase catalytic subunit delta; plus strand). Cytogenetic location: 1p36.22.
Variant type: single nucleotide variant.
Coding change: c.2997+4T>C on transcript NM_005026.5 (MANE Select); 4 bases into the intron after coding-DNA position 2997, T replaced by C.
Molecular consequence: intron variant.
Genome position (GRCh38, 1-based): chr1:9,724,940, T>C. VCF-style: chr1-9724940-T-C. GRCh37 (hg19) VCF-style: chr1-9784998-T-C.
Other names: c.2994+4T>C (NM_001350234.2); c.2910+4T>C (NM_001350235.1).
Identifiers: ClinVar variation 948176 (VCV000948176.10), dbSNP rs1649271518, ClinGen allele CA1139655947.
Genomic context (GRCh38, chr1:9,724,940, plus strand): 5'-ATGCGGGCGGCAGGCCTGCCTGAGCTCAGCTGCTCCAAAGACATCCAGTATCTCAAGGTA[T>C]GTGCCGGGCAGGAGACTGCTGTCGCCAGTGGACTTCCAAGGCCTGCCCCCGAGCAATGTG-3'